The following is an entry in ClinVar:

ClinVar aggregate classification (germline): Likely benign (1 of 4 stars; one submission).

Conditions:
Congenital myasthenic syndrome 12 (CMS12). Also called: MYASTHENIC SYNDROME, CONGENITAL, WITH TUBULAR AGGREGATES 1; Myasthenia, congenital, 12, with tubular aggregates. Identifiers: Orphanet 353327, Orphanet 590, MedGen C3552335, MONDO:0012518, OMIM 610542.

Allele frequency attached by ClinVar (database versions not stated): gnomAD 0.00292 and 0.00308; TOPMed 0.00323; 1000 Genomes Project 0.00419; 1000 Genomes Project 30x 0.00422.

Submission:

Illumina Laboratory Services, Illumina
Classification: Likely benign for Congenital myasthenic syndrome 12. Last evaluated: 2018-01-13. Review status: criteria provided, single submitter. Criteria: ICSL Variant Classification Criteria 13 December 2019. Collection method: clinical testing. Allele origin: germline.
Comment: This variant was observed in the ICSL laboratory as part of a predisposition screen in an ostensibly healthy population. It had not been previously curated by ICSL or reported in the Human Gene Mutation Database (HGMD: prior to June 1st, 2018), and was therefore a candidate for classification through an automated scoring system. Utilizing variant allele frequency, disease prevalence and penetrance estimates, and inheritance mode, an automated score was calculated to assess if this variant is too frequent to cause the disease. Based on the score and internal cut-off values, a variant classified as likely benign is not then subjected to further curation. The score for this variant resulted in a classification of likely benign for this disease.

NM_001244710.2(GFPT1):c.*1053G>A

Gene: GFPT1 (glutamine--fructose-6-phosphate transaminase 1; minus strand). Cytogenetic location: 2p13.3.
Variant type: single nucleotide variant.
Coding change: c.*1053G>A on transcript NM_001244710.2 (MANE Select); 1053 bases downstream of the stop codon, G replaced by A.
Molecular consequence: 3 prime UTR variant.
Genome position (GRCh38, 1-based): chr2:69,325,136, C>T on the plus strand (G>A on the coding strand, the complement: GFPT1 is on the minus strand). VCF-style: chr2-69325136-C-T. GRCh37 (hg19) VCF-style: chr2-69552268-C-T.
Other names: c.*1053G>A (NM_002056.4).
Identifiers: ClinVar variation 336856 (VCV000336856.5), dbSNP rs535434783, ClinGen allele CA10613852.